The following is an entry in ClinVar:

NM_013266.4(CTNNA3):c.189G>T (p.Glu63Asp)

Gene: CTNNA3 (catenin alpha 3; minus strand). Cytogenetic location: 10q21.3.
Variant type: single nucleotide variant.
Coding change: c.189G>T on transcript NM_013266.4 (MANE Select); coding-DNA position 189, G replaced by T.
Protein change: p.Glu63Asp; replaces glutamic acid 63 with aspartic acid.
Molecular consequence: missense variant.
Genome position (GRCh38, 1-based): chr10:67,606,960, C>A on the plus strand (G>T on the coding strand, the complement: CTNNA3 is on the minus strand). VCF-style: chr10-67606960-C-A. GRCh37 (hg19) VCF-style: chr10-69366718-C-A.
Other names: c.189G>T (NM_013266.2); c.189G>T, p.Glu63Asp (NM_001127384.3); c.225G>T, p.Glu75Asp (NM_001291133.2); short protein forms E63D, E75D.
Identifiers: ClinVar variation 3719718 (VCV003719718.3).

ClinVar aggregate classification (germline): Uncertain significance. Review status: criteria provided, multiple submitters, no conflicts (2 of 4 stars). 2 submissions from 2 submitters: Uncertain significance (2). Last evaluated 2025-08-03.

Conditions:
Arrhythmogenic right ventricular dysplasia 13. Also called: ARRHYTHMOGENIC RIGHT VENTRICULAR CARDIOMYOPATHY 13; Arrhythmogenic right ventricular dysplasia, familial, 13. Identifiers: MedGen C3810138, MONDO:0000908, OMIM 615616.

gnomAD v4.1: 12 of 1,613,684 alleles (0.00074%); highest among the groups gnomAD compares: Admixed American, 0.02%; no homozygotes.

Submissions (2):

Ambry Genetics
Classification: Uncertain significance. Last evaluated: 2025-08-03. Review status: criteria provided, single submitter. Criteria: Ambry Variant Classification Scheme 2023. Collection method: clinical testing. Allele origin: germline.
Comment: The p.E63D variant (also known as c.189G>T), located in coding exon 2 of the CTNNA3 gene, results from a G to T substitution at nucleotide position 189. The glutamic acid at codon 63 is replaced by aspartic acid, an amino acid with highly similar properties. This amino acid position is conserved. In addition, this alteration is predicted to be tolerated by in silico analysis. Based on the available evidence, the clinical significance of this variant remains unclear.

Labcorp Genetics (formerly Invitae), Labcorp
Classification: Uncertain significance for Arrhythmogenic right ventricular dysplasia 13. Last evaluated: 2024-04-24. Review status: criteria provided, single submitter. Criteria: Invitae Variant Classification Sherloc (09022015). Collection method: clinical testing. Allele origin: germline.
Comment: This sequence change replaces glutamic acid, which is acidic and polar, with aspartic acid, which is acidic and polar, at codon 63 of the CTNNA3 protein (p.Glu63Asp). This variant is present in population databases (rs375304070, gnomAD 0.02%). This variant has not been reported in the literature in individuals affected with CTNNA3-related conditions. Advanced modeling of protein sequence and biophysical properties (such as structural, functional, and spatial information, amino acid conservation, physicochemical variation, residue mobility, and thermodynamic stability) performed at Invitae indicates that this missense variant is not expected to disrupt CTNNA3 protein function with a negative predictive value of 80%. In summary, the available evidence is currently insufficient to determine the role of this variant in disease. Therefore, it has been classified as a Variant of Uncertain Significance.